The following is an entry in ClinVar:

ClinVar aggregate classification (germline): Uncertain significance (1 of 4 stars; one submission).

Conditions:
Early-infantile DEE. Also called: Early infantile epileptic encephalopathy; Ohtahara syndrome; Early infantile epileptic encephalopathy with suppression bursts. Identifiers: Orphanet 1934, MedGen C0393706, MONDO:0800491.

Submission:

Labcorp Genetics (formerly Invitae), Labcorp
Classification: Uncertain significance for Early-infantile DEE. Last evaluated: 2022-04-06. Review status: criteria provided, single submitter. Criteria: Invitae Variant Classification Sherloc (09022015). Collection method: clinical testing. Allele origin: germline.
Comment: Advanced modeling of protein sequence and biophysical properties (such as structural, functional, and spatial information, amino acid conservation, physicochemical variation, residue mobility, and thermodynamic stability) performed at Invitae indicates that this missense variant is expected to disrupt SCN1A protein function. This variant has not been reported in the literature in individuals affected with SCN1A-related conditions. This variant is not present in population databases (gnomAD no frequency). This sequence change replaces glycine, which is neutral and non-polar, with alanine, which is neutral and non-polar, at codon 964 of the SCN1A protein (p.Gly964Ala). In summary, the available evidence is currently insufficient to determine the role of this variant in disease. Therefore, it has been classified as a Variant of Uncertain Significance.

NM_001165963.4(SCN1A):c.2891G>C (p.Gly964Ala)

Gene: SCN1A (sodium voltage-gated channel alpha subunit 1; minus strand). Cytogenetic location: 2q24.3.
Variant type: single nucleotide variant.
Coding change: c.2891G>C on transcript NM_001165963.4 (MANE Select); coding-DNA position 2891, G replaced by C.
Protein change: p.Gly964Ala; replaces glycine 964 with alanine.
Molecular consequence: missense variant. On other transcripts: non-coding transcript variant (1).
Genome position (GRCh38, 1-based): chr2:166,037,831, C>G on the plus strand (G>C on the coding strand, the complement: SCN1A is on the minus strand). VCF-style: chr2-166037831-C-G. GRCh37 (hg19) VCF-style: chr2-166894341-C-G.
Other names: c.2855G>C, p.Gly952Ala (NM_001353954.2, NM_001353955.2); c.2807G>C, p.Gly936Ala (NM_001353957.2, NM_001353958.2, NM_001165964.3); c.2804G>C, p.Gly935Ala (NM_001353960.2); c.449G>C, p.Gly150Ala (NM_001353961.2); c.2858G>C, p.Gly953Ala (NM_006920.6, NM_001353949.2, NM_001353950.2 and 2 more transcripts); c.2891G>C, p.Gly964Ala (NM_001202435.3, NM_001353948.2); short protein forms G935A, G952A, G953A, G150A, G936A, G964A.
Identifiers: ClinVar variation 2122151 (VCV002122151.4), dbSNP rs2468095030, ClinGen allele CA349060970.